The following is an entry in ClinVar:

ClinVar aggregate classification (germline): Conflicting classifications of pathogenicity. Review status: criteria provided, conflicting classifications (1 of 4 stars). 5 submissions from 5 submitters: Uncertain significance (1); Likely benign (4). Last evaluated 2026-02-03.

Conditions:
Hereditary pulmonary alveolar proteinosis. Also called: Pulmonary surfactant metabolism dysfunction. Identifiers: Orphanet 264675, MedGen C3711368, MONDO:0012580.
Interstitial lung disease due to ABCA3 deficiency. Also called: PULMONARY ALVEOLAR PROTEINOSIS, CONGENITAL, 3. Identifiers: Orphanet 440402, MedGen C1970456, MONDO:0012582, OMIM 610921.

Allele frequency attached by ClinVar (database versions not stated): 1000 Genomes Project 0.00040; 1000 Genomes Project 30x 0.00047; gnomAD 0.00083 and 0.00084; ESP Exome Variant Server 0.00085; gnomAD exomes 0.00108 and 0.00145; TOPMed 0.00121; ExAC 0.00131.
gnomAD v4.1: 2,187 of 1,610,770 alleles (0.14%); highest among the groups gnomAD compares: Non-Finnish European, 0.16%; 4 homozygotes.

Submissions (5):

Ambry Genetics
Classification: Likely benign for Hereditary pulmonary alveolar proteinosis. Last evaluated: 2026-02-03. Review status: criteria provided, single submitter. Criteria: Ambry Variant Classification Scheme 2023. Collection method: clinical testing. Allele origin: germline.

Labcorp Genetics (formerly Invitae), Labcorp
Classification: Likely benign. Last evaluated: 2026-01-27. Review status: criteria provided, single submitter. Criteria: Invitae Variant Classification Sherloc (09022015). Collection method: clinical testing. Allele origin: germline.

Blueprint Genetics
Classification: Likely benign. Last evaluated: 2024-10-14. Review status: criteria provided, single submitter. Criteria: ACMG Guidelines, 2015. Collection method: clinical testing. Allele origin: germline.

Laboratory for Molecular Medicine, Mass General Brigham Personalized Medicine
Classification: Likely benign. Last evaluated: 2019-01-22. Review status: criteria provided, single submitter. Criteria: LMM Criteria. Collection method: clinical testing. Allele origin: germline. Observed: 2 variant alleles.
Comment: The p.Asn124Ser variant in ABCA3 is classified as likely benign because it has has been identified in 0.16% (209/128312) of European and 0.13% (32/23120) of Finnish chromosomes including 1 homozygote by gnomAD, and because computational prediction tools and conservation analysis suggest that the variant may not impact the protein. ACMG/AMP criteria applied: BS1_Supporting, BP4.

Illumina Laboratory Services, Illumina
Classification: Uncertain significance for Interstitial lung disease due to ABCA3 deficiency. Last evaluated: 2017-04-27. Review status: criteria provided, single submitter. Criteria: ICSL Variant Classification Criteria 13 December 2019. Collection method: clinical testing. Allele origin: germline.

Literature cited by the submitters: PubMed 24142515 (cited by Ambry Genetics and Laboratory for Molecular Medicine, Mass General Brigham Personalized Medicine); PubMed 36808083 (cited by Ambry Genetics); PubMed 22866751 (cited by Laboratory for Molecular Medicine, Mass General Brigham Personalized Medicine).

NM_001089.3(ABCA3):c.371A>G (p.Asn124Ser)

Gene: ABCA3 (ATP binding cassette subfamily A member 3; minus strand). Cytogenetic location: 16p13.3.
Variant type: single nucleotide variant.
Coding change: c.371A>G on transcript NM_001089.3 (MANE Select); coding-DNA position 371, A replaced by G.
Protein change: p.Asn124Ser; replaces asparagine 124 with serine.
Molecular consequence: missense variant.
Genome position (GRCh38, 1-based): chr16:2,324,480, T>C on the plus strand (A>G on the coding strand, the complement: ABCA3 is on the minus strand). VCF-style: chr16-2324480-T-C. GRCh37 (hg19) VCF-style: chr16-2374481-T-C.
Other names: short protein forms N124S.
Identifiers: ClinVar variation 504721 (VCV000504721.20), dbSNP rs142977595, ClinGen allele CA7841690.
Genomic context (GRCh38, chr16:2,324,480, plus strand): 5'-TCCTTGCTGTGGTTGAAGGGGTGCTCGAAGACCACGGCGGCCAGCACGCTGGACGAGCAG[T>C]TGTCGTACCTAATGTAGTCCTCAAAGTCCTTCTCGGAGGGAAAGCCGCGCACTGCAAAGA-3'
Protein context (NP_001080.2, residues 114-134): KDFEDYIRYD[Asn124Ser]CSSSVLAAVV